The following is an entry in ClinVar:

NM_000466.3(PEX1):c.130-1G>C

Gene: PEX1 (peroxisomal biogenesis factor 1; minus strand). Cytogenetic location: 7q21.2.
Variant type: single nucleotide variant.
Coding change: c.130-1G>C on transcript NM_000466.3 (MANE Select); the canonical splice acceptor site of the intron before coding-DNA position 130, G replaced by C.
Molecular consequence: splice acceptor variant.
Genome position (GRCh38, 1-based): chr7:92,522,246, C>G on the plus strand (G>C on the coding strand, the complement: PEX1 is on the minus strand). VCF-style: chr7-92522246-C-G. GRCh37 (hg19) VCF-style: chr7-92151560-C-G.
Other names: c.130-1G>C (NM_001282677.2); c.-530-1G>C (NM_001282678.2).
Identifiers: ClinVar variation 371711 (VCV000371711.4), dbSNP rs1028247729, ClinGen allele CA16041176.
Genomic context (GRCh38, chr7:92,522,246, plus strand): 5'-GCCTTCCACCCAGCTCAAGAATGCAGGCTGGTGACTCCAGACCACTTCTATAGCTTGATT[C>G]TATTCATATAAGAAATGAGAGGAAAAAAGGTTTTCGTATACATTTTTCTGGATTCACATG-3'

ClinVar aggregate classification (germline): Likely pathogenic. Review status: criteria provided, single submitter (1 of 4 stars). 3 submissions from 2 submitters: Likely pathogenic (1). 2 of the submissions do not count toward it. Last evaluated 2025-12-15.

Conditions:
PEX1-related disorder. Also called: PEX1-related condition.
Peroxisome biogenesis disorder 1B (PBD1B). Also called: Refsum disease, infantile form; Infantile Refsum disease; Infantile form of phytanic acid storage disease; PEROXISOME BIOGENESIS DISORDER (NEONATAL ADRENOLEUKODYSTROPHY/INFANTILE REFSUM DISEASE); INFANTILE PHYTANIC ACID STORAGE DISEASE; PEROXISOME BIOGENESIS DISORDER (NALD/IRD). Identifiers: Orphanet 44, MedGen C0282527, MONDO:0011101, OMIM 601539.
Peroxisome biogenesis disorder 1A (Zellweger) (PBD1A). Also called: Zellweger leukodystrophy; Peroxisome biogenesis disorder 1a. Identifiers: MedGen C4721541, MONDO:0008953, OMIM 214100.

Submissions (3):

3billion
Classification: Likely pathogenic for PEX1-related disorder. Last evaluated: 2025-12-15. Review status: criteria provided, single submitter. Criteria: ACMG Guidelines, 2015. Collection method: clinical testing. Allele origin: germline. Affected: yes.
Comment: The variant is not observed in the gnomAD v4.1.0 dataset. Predicted Consequence/Location: Canonical splice site: predicted to alter splicing and result in a loss or disruption of normal protein function. Multiple pathogenic loss-of-function variants are reported downstream of the variant. In silico tools predict the variant to alter splicing and produce an abnormal transcript [SpliceAI: 0.98 (spliceogenicity >=0.2, non-spliceogenicity <0.1)]. The variant has been reported to be associated with PEX1-related disorder (ClinVar ID: VCV000371711). Therefore, this variant is classified as Likely pathogenic according to the recommendation of ACMG/AMP guideline.

Counsyl
Classification: Likely pathogenic for Peroxisome biogenesis disorder 1A (Zellweger). Last evaluated: 2016-02-22. Review status: no assertion criteria provided. Collection method: clinical testing. Allele origin: unknown. Not counted in ClinVar's aggregate classification.

Counsyl
Classification: Likely pathogenic for Peroxisome biogenesis disorder 1B. Last evaluated: 2016-02-22. Review status: no assertion criteria provided. Collection method: clinical testing. Allele origin: unknown. Not counted in ClinVar's aggregate classification.